The following is an entry in ClinVar:

NC_000011.10:g.68685594del

Gene: GAL (galanin and GMAP prepropeptide; plus strand). Cytogenetic location: 11q13.2.
Variant type: Deletion.
Genome position: GRCh38 VCF-style: chr11-68685592-AG-A. GRCh37 (hg19) VCF-style: chr11-68453060-AG-A.
Identifiers: ClinVar variation 642760 (VCV000642760.6), dbSNP rs1594273885, ClinGen allele CA915948230.

ClinVar aggregate classification (germline): Uncertain significance (1 of 4 stars; one submission).

Conditions:
Familial temporal lobe epilepsy 8. Identifiers: Orphanet 101046, MedGen C4225318, MONDO:0014650, OMIM 616461.

Submission:

Labcorp Genetics (formerly Invitae), Labcorp
Classification: Uncertain significance for Familial temporal lobe epilepsy 8. Last evaluated: 2021-12-02. Review status: criteria provided, single submitter. Criteria: Invitae Variant Classification Sherloc (09022015). Collection method: clinical testing. Allele origin: germline.
Comment: This sequence change creates a premature translational stop signal (p.Ala28Profs*9) in the GAL gene. It is expected to result in an absent or disrupted protein product. However, the current clinical and genetic evidence is not sufficient to establish whether loss-of-function variants in GAL cause disease. This variant is not present in population databases (gnomAD no frequency). This variant has not been reported in the literature in individuals affected with GAL-related conditions. ClinVar contains an entry for this variant (Variation ID: 642760). In summary, the available evidence is currently insufficient to determine the role of this variant in disease. Therefore, it has been classified as a Variant of Uncertain Significance.